The following is an entry in ClinVar:

ClinVar aggregate classification (germline): Uncertain significance. Review status: criteria provided, multiple submitters, no conflicts (2 of 4 stars). 4 submissions from 4 submitters: Uncertain significance (4). Last evaluated 2025-12-21.

Conditions:
Hereditary cancer-predisposing syndrome. Also called: Hereditary Cancer Syndrome; Hereditary neoplastic syndrome; Neoplastic Syndromes, Hereditary; Tumor predisposition. Identifiers: Orphanet 140162, MedGen C0027672, MeSH D009386, MONDO:0015356.
Familial cancer of breast. Also called: BREAST CANCER, FAMILIAL; Hereditary breast cancer; hereditary breast carcinoma. Identifiers: Orphanet 227535, MedGen C0346153, MONDO:0016419, OMIM 114480. Disease mechanism: loss of function.

Allele frequency attached by ClinVar (database versions not stated): gnomAD 0.00001; TOPMed 0.00001.
gnomAD v4.1: 8 of 1,613,872 alleles (0.0005%); highest among the groups gnomAD compares: Non-Finnish European, 0.00068%; no homozygotes.

Submissions (4):

Labcorp Genetics (formerly Invitae), Labcorp
Classification: Uncertain significance for Familial cancer of breast. Last evaluated: 2025-12-21. Review status: criteria provided, single submitter. Criteria: Invitae Variant Classification Sherloc (09022015). Collection method: clinical testing. Allele origin: germline.
Comment: This sequence change replaces alanine, which is neutral and non-polar, with serine, which is neutral and polar, at codon 594 of the BARD1 protein (p.Ala594Ser). This variant is not present in population databases (gnomAD no frequency). This variant has not been reported in the literature in individuals affected with BARD1-related conditions. ClinVar contains an entry for this variant (Variation ID: 406745). An algorithm developed to predict the effect of missense changes on protein structure and function (PolyPhen-2) suggests that this variant is likely to be tolerated. In summary, the available evidence is currently insufficient to determine the role of this variant in disease. Therefore, it has been classified as a Variant of Uncertain Significance.

Ambry Genetics
Classification: Uncertain significance for Hereditary cancer-predisposing syndrome. Last evaluated: 2024-05-17. Review status: criteria provided, single submitter. Criteria: Ambry Variant Classification Scheme 2023. Collection method: clinical testing. Allele origin: germline.
Comment: The p.A594S variant (also known as c.1780G>T), located in coding exon 8 of the BARD1 gene, results from a G to T substitution at nucleotide position 1780. The alanine at codon 594 is replaced by serine, an amino acid with similar properties. This amino acid position is well conserved in available vertebrate species. In addition, the in silico prediction for this alteration is inconclusive. Since supporting evidence is limited at this time, the clinical significance of this alteration remains unclear.

Sema4
Classification: Uncertain significance for Hereditary cancer-predisposing syndrome. Last evaluated: 2022-01-12. Review status: criteria provided, single submitter. Criteria: Sema4 Curation Guidelines. Collection method: curation. Allele origin: germline.
Comment: The BARD1 c.1780G>T (p.A594S) variant has been reported in heterozygosity in a breast cancer case-control analysis in 1/60461 cases and 2/53461 controls (PMID: 33471991). It was not observed in the large and broad cohorts of the Genome Aggregation Database. The variant has been reported in ClinVar (Variation ID 406745). Functional studies have not been performed, and in silico predictions of the variant's effect on protein function are inconclusive. The evidence is insufficient to meet ACMG/AMP criteria for classifying the variant as benign or pathogenic. Thus, the clinical significance of this variant is currently uncertain.

Fulgent Genetics
Classification: Uncertain significance for Familial cancer of breast. Last evaluated: 2018-10-31. Review status: criteria provided, single submitter. Criteria: ACMG Guidelines, 2015. Collection method: clinical testing. Allele origin: unknown.

Literature cited by the submitters: PubMed 33471991 (cited by Sema4).

NM_000465.4(BARD1):c.1780G>T (p.Ala594Ser)

Gene: BARD1 (BRCA1 associated RING domain 1; minus strand). Cytogenetic location: 2q35.
Variant type: single nucleotide variant.
Coding change: c.1780G>T on transcript NM_000465.4 (MANE Select); coding-DNA position 1780, G replaced by T.
Protein change: p.Ala594Ser; replaces alanine 594 with serine.
Molecular consequence: missense variant. On other transcripts: non-coding transcript variant (3), intron variant (1).
Genome position (GRCh38, 1-based): chr2:214,745,752, C>A on the plus strand (G>T on the coding strand, the complement: BARD1 is on the minus strand). VCF-style: chr2-214745752-C-A. GRCh37 (hg19) VCF-style: chr2-215610476-C-A.
Other names: c.1723G>T, p.Ala575Ser (NM_001282543.2); c.427G>T, p.Ala143Ser (NM_001282545.2); c.370G>T, p.Ala124Ser (NM_001282548.2); c.365-15244G>T (NM_001282549.2); short protein forms A594S, A124S, A143S, A575S.
Identifiers: ClinVar variation 406745 (VCV000406745.16), dbSNP rs1036544558, ClinGen allele CA16610725.